The following is an entry in ClinVar:

ClinVar aggregate classification (germline): Uncertain significance (1 of 4 stars; one submission).

Conditions:
Rhabdoid tumor predisposition syndrome 2 (RTPS2). Identifiers: Orphanet 231108, Orphanet 69077, MedGen C2750074, MONDO:0013224, OMIM 613325.

Submission:

Labcorp Genetics (formerly Invitae), Labcorp
Classification: Uncertain significance for Rhabdoid tumor predisposition syndrome 2. Last evaluated: 2021-07-17. Review status: criteria provided, single submitter. Criteria: Invitae Variant Classification Sherloc (09022015). Collection method: clinical testing. Allele origin: germline.
Comment: In summary, the available evidence is currently insufficient to determine the role of this variant in disease. Therefore, it has been classified as a Variant of Uncertain Significance. Experimental studies and prediction algorithms are not available or were not evaluated, and the functional significance of this variant is currently unknown. This variant has not been reported in the literature in individuals affected with SMARCA4-related conditions. This variant results in a copy number gain of the genomic region encompassing exon(s) 2-23 of the SMARCA4 gene. This region includes the initiator codon of the gene. The 5' end of this event is unknown as it extends beyond the assayed region for this gene and therefore may encompass additional genes. The 3' boundary is likely confined to intron 23 of the SMARCA4 gene. As the precise location of this event is unknown, it may be in tandem or it may be located elsewhere in the genome.

NC_000019.9:g.(?_11094828)_(11137032_?)dup

Gene: SMARCA4 (SWI/SNF related BAF chromatin remodeling complex subunit ATPase 4; plus strand). Cytogenetic location: 19p13.2.
Variant type: Duplication.
Identifiers: ClinVar variation 1410200 (VCV001410200.4).